The following is an entry in ClinVar:

NM_017419.3(ASIC5):c.287T>C (p.Ile96Thr)

Gene: ASIC5 (acid sensing ion channel subunit family member 5; minus strand). Cytogenetic location: 4q32.1.
Variant type: single nucleotide variant.
Coding change: c.287T>C on transcript NM_017419.3 (MANE Select); coding-DNA position 287, T replaced by C.
Protein change: p.Ile96Thr; replaces isoleucine 96 with threonine.
Molecular consequence: missense variant.
Genome position (GRCh38, 1-based): chr4:155,863,508, A>G on the plus strand (T>C on the coding strand, the complement: ASIC5 is on the minus strand). VCF-style: chr4-155863508-A-G. GRCh37 (hg19) VCF-style: chr4-156784660-A-G.
Other names: short protein forms I96T.
Identifiers: ClinVar variation 3033718 (VCV003033718.2), dbSNP rs147879225, ClinGen allele CA3118482.

ClinVar aggregate classification (germline): Likely benign (0 of 4 stars; one submission).

Conditions:
ASIC5-related disorder. Also called: ASIC5-related condition.

Allele frequency attached by ClinVar (database versions not stated): gnomAD exomes 0.00013; ExAC 0.00032; 1000 Genomes Project 30x 0.00109; ESP Exome Variant Server 0.00138; 1000 Genomes Project 0.00140; TOPMed 0.00153; gnomAD 0.00163.
gnomAD v4.1: 444 of 1,613,776 alleles (0.028%); highest among the groups gnomAD compares: African/African-American, 0.45%; 1 homozygote.

Submission:

PreventionGenetics, part of Exact Sciences
Classification: Likely benign for ASIC5-related condition. Last evaluated: 2023-05-10. Review status: no assertion criteria provided. Collection method: clinical testing. Allele origin: germline.
Comment: This variant is classified as likely benign based on ACMG/AMP sequence variant interpretation guidelines (Richards et al. 2015 PMID: 25741868, with internal and published modifications).